The following is an entry in ClinVar:

ClinVar aggregate classification (germline): Uncertain significance. Review status: criteria provided, multiple submitters, no conflicts (2 of 4 stars). 3 submissions from 3 submitters: Uncertain significance (2). 1 of the submissions does not count toward it. Last evaluated 2025-05-05.

Conditions:
Ataxia-telangiectasia syndrome (AT). Also called: Ataxia-telangiectasia, complementation group D; AT, COMPLEMENTATION GROUP C; ATAXIA-TELANGIECTASIA, COMPLEMENTATION GROUP A; ATAXIA-TELANGIECTASIA, FRESNO VARIANT; Ataxia-telangiectasia; LOUIS-BAR SYNDROME. Identifiers: Orphanet 100, MedGen C0004135, MONDO:0008840, OMIM 208900.
Hereditary cancer-predisposing syndrome. Also called: Tumor predisposition; Hereditary neoplastic syndrome; Neoplastic Syndromes, Hereditary; Hereditary Cancer Syndrome. Identifiers: Orphanet 140162, MedGen C0027672, MeSH D009386, MONDO:0015356.

Submissions (3):

Labcorp Genetics (formerly Invitae), Labcorp
Classification: Uncertain significance for Ataxia-telangiectasia syndrome. Last evaluated: 2025-05-05. Review status: criteria provided, single submitter. Criteria: Invitae Variant Classification Sherloc (09022015). Collection method: clinical testing. Allele origin: germline.
Comment: This sequence change replaces alanine, which is neutral and non-polar, with serine, which is neutral and polar, at codon 2562 of the ATM protein (p.Ala2562Ser). This variant is not present in population databases (gnomAD no frequency). This variant has not been reported in the literature in individuals affected with ATM-related conditions. ClinVar contains an entry for this variant (Variation ID: 664055). Invitae Evidence Modeling of protein sequence and biophysical properties (such as structural, functional, and spatial information, amino acid conservation, physicochemical variation, residue mobility, and thermodynamic stability) has been performed for this missense variant. However, the output from this modeling did not meet the statistical confidence thresholds required to predict the impact of this variant on ATM protein function. Algorithms developed to predict the effect of sequence changes on RNA splicing suggest that this variant may disrupt the consensus splice site. In summary, the available evidence is currently insufficient to determine the role of this variant in disease. Therefore, it has been classified as a Variant of Uncertain Significance.

Ambry Genetics
Classification: Uncertain significance for Hereditary cancer-predisposing syndrome. Last evaluated: 2022-06-16. Review status: criteria provided, single submitter. Criteria: Ambry Variant Classification Scheme 2023. Collection method: clinical testing. Allele origin: germline.
Comment: The p.A2562S variant (also known as c.7684G>T), located in coding exon 51 of the ATM gene, results from a G to T substitution at nucleotide position 7684. The alanine at codon 2562 is replaced by serine, an amino acid with similar properties. This amino acid position is highly conserved in available vertebrate species. In addition, the in silico prediction for this alteration is inconclusive. Since supporting evidence is limited at this time, the clinical significance of this alteration remains unclear.

Natera, Inc.
Classification: Uncertain significance for Ataxia-telangiectasia. Last evaluated: 2020-09-16. Review status: no assertion criteria provided. Collection method: clinical testing. Allele origin: germline. Not counted in ClinVar's aggregate classification.

NM_000051.4(ATM):c.7684G>T (p.Ala2562Ser)

Genes: C11orf65 (chromosome 11 open reading frame 65; minus strand), ATM (ATM serine/threonine kinase; plus strand). Cytogenetic location: 11q22.3.
Variant type: single nucleotide variant.
Coding change: c.7684G>T on transcript NM_000051.4 (MANE Select); coding-DNA position 7684, G replaced by T.
Protein change: p.Ala2562Ser; replaces alanine 2562 with serine.
Molecular consequence: missense variant. On other transcripts: intron variant (2).
Genome position (GRCh38, 1-based): chr11:108,331,933, G>T. VCF-style: chr11-108331933-G-T. GRCh37 (hg19) VCF-style: chr11-108202660-G-T.
Other names: c.7684G>T, p.Ala2562Ser (NM_001351834.2); c.641-22862C>A (NM_001330368.2); c.*38+3287C>A (NM_001351110.2); short protein forms A2562S.
Identifiers: ClinVar variation 664055 (VCV000664055.16), dbSNP rs1555124521, ClinGen allele CA382561003.